The following is an entry in ClinVar:

NM_006118.4(HAX1):c.15T>A (p.Asp5Glu)

Gene: HAX1 (HCLS1 associated protein X-1; plus strand). Cytogenetic location: 1q21.3.
Variant type: single nucleotide variant.
Coding change: c.15T>A on transcript NM_006118.4 (MANE Select); coding-DNA position 15, T replaced by A.
Protein change: p.Asp5Glu; replaces aspartic acid 5 with glutamic acid.
Molecular consequence: missense variant.
Genome position (GRCh38, 1-based): chr1:154,272,738, T>A. VCF-style: chr1-154272738-T-A. GRCh37 (hg19) VCF-style: chr1-154245214-T-A.
Other names: c.15T>A, p.Asp5Glu (NM_001018837.2); short protein forms D5E.
Identifiers: ClinVar variation 863374 (VCV000863374.12), dbSNP rs201078819, ClinGen allele CA1127209.
Genomic context (GRCh38, chr1:154,272,738, plus strand): 5'-GAATGGACCACTGGAGGGGTTCAAAGGTTCGCGTCCCAGTACGGGAATGAGCCTCTTTGA[T>A]CTCTTCCGGGGCTTTTTCGGCTTTCCTGGACCTCGGAGGTGAGAGTAGGTCCGGCTCGGA-3'
Protein context (NP_006109.2, residues 1-15): MSLF[Asp5Glu]LFRGFFGFPG

ClinVar aggregate classification (germline): Uncertain significance. Review status: criteria provided, multiple submitters, no conflicts (2 of 4 stars). 5 submissions from 5 submitters: Uncertain significance (4). 1 of the submissions does not count toward it. Last evaluated 2024-10-30.

Conditions:
Kostmann syndrome (SCN3). Also called: Autosomal recessive severe congenital neutropenia type 3; KOSTMANN DISEASE. Identifiers: Orphanet 99749, MedGen C5235141, MONDO:0012548, OMIM 610738.

Allele frequency attached by ClinVar (database versions not stated): ExAC 0.00005; gnomAD exomes 0.00012 and 0.00033; TOPMed 0.00017; gnomAD 0.00020 and 0.00021.
gnomAD v4.1: 523 of 1,614,034 alleles (0.032%); highest among the groups gnomAD compares: Non-Finnish European, 0.041%; no homozygotes.

Submissions (5):

Blueprint Genetics
Classification: Uncertain significance. Last evaluated: 2024-10-30. Review status: criteria provided, single submitter. Criteria: ACMG Guidelines, 2015. Collection method: clinical testing. Allele origin: germline.

Labcorp Genetics (formerly Invitae), Labcorp
Classification: Uncertain significance for Kostmann syndrome. Last evaluated: 2022-10-28. Review status: criteria provided, single submitter. Criteria: Invitae Variant Classification Sherloc (09022015). Collection method: clinical testing. Allele origin: germline.
Comment: This sequence change replaces aspartic acid, which is acidic and polar, with glutamic acid, which is acidic and polar, at codon 5 of the HAX1 protein (p.Asp5Glu). This variant is present in population databases (rs201078819, gnomAD 0.03%). This variant has not been reported in the literature in individuals affected with HAX1-related conditions. ClinVar contains an entry for this variant (Variation ID: 863374). Advanced modeling of protein sequence and biophysical properties (such as structural, functional, and spatial information, amino acid conservation, physicochemical variation, residue mobility, and thermodynamic stability) performed at Invitae indicates that this missense variant is not expected to disrupt HAX1 protein function. In summary, the available evidence is currently insufficient to determine the role of this variant in disease. Therefore, it has been classified as a Variant of Uncertain Significance.

Mayo Clinic Laboratories, Mayo Clinic
Classification: Uncertain significance. Last evaluated: 2020-08-18. Review status: criteria provided, single submitter. Criteria: ACMG Guidelines, 2015. Collection method: clinical testing. Allele origin: germline. Observed: 1 variant allele.

Genetics and Molecular Pathology, SA Pathology
Classification: Uncertain significance for Kostmann syndrome. Last evaluated: 2020-06-30. Review status: criteria provided, single submitter. Criteria: ACMG Guidelines, 2015. Collection method: clinical testing. Allele origin: germline. Inheritance: Autosomal recessive inheritance. Affected: yes.

Natera, Inc.
Classification: Uncertain significance for Autosomal recessive severe congenital neutropenia type 3. Last evaluated: 2020-01-17. Review status: no assertion criteria provided. Collection method: clinical testing. Allele origin: germline. Not counted in ClinVar's aggregate classification.